The following is an entry in ClinVar:

NM_021969.3(NR0B2):c.476T>C (p.Leu159Pro)

Genes: NR0B2 (nuclear receptor subfamily 0 group B member 2; minus strand), NUDC (nuclear distribution C, dynein complex regulator; plus strand). Cytogenetic location: 1p36.11.
Variant type: single nucleotide variant.
Coding change: c.476T>C on transcript NM_021969.3 (MANE Select); coding-DNA position 476, T replaced by C.
Protein change: p.Leu159Pro; replaces leucine 159 with proline.
Molecular consequence: missense variant.
Genome position (GRCh38, 1-based): chr1:26,913,465, A>G on the plus strand (T>C on the coding strand, the complement: NR0B2 is on the minus strand). VCF-style: chr1-26913465-A-G. GRCh37 (hg19) VCF-style: chr1-27239956-A-G.
Other names: short protein forms L159P.
Identifiers: ClinVar variation 3349238 (VCV003349238.1).

ClinVar aggregate classification (germline): Uncertain significance (0 of 4 stars; one submission).

Conditions:
NR0B2-related disorder. Also called: NR0B2-related condition.

gnomAD v4.1: 20 of 1,614,106 alleles (0.0012%); highest among the groups gnomAD compares: Non-Finnish European, 0.0017%; no homozygotes.

Submission:

PreventionGenetics, part of Exact Sciences
Classification: Uncertain significance for NR0B2-related condition. Last evaluated: 2023-11-29. Review status: no assertion criteria provided. Collection method: clinical testing. Allele origin: germline.
Comment: The NR0B2 c.476T>C variant is predicted to result in the amino acid substitution p.Leu159Pro. To our knowledge, this variant has not been reported in the literature or in a large population database, indicating this variant is rare. At this time, the clinical significance of this variant is uncertain due to the absence of conclusive functional and genetic evidence.